The following is an entry in ClinVar:

NM_003283.6(TNNT1):c.263A>G (p.Gln88Arg)

Gene: TNNT1 (troponin T1, slow skeletal type; minus strand). Cytogenetic location: 19q13.42.
Variant type: single nucleotide variant.
Coding change: c.263A>G on transcript NM_003283.6 (MANE Select); coding-DNA position 263, A replaced by G.
Protein change: p.Gln88Arg; replaces glutamine 88 with arginine.
Molecular consequence: missense variant.
Genome position (GRCh38, 1-based): chr19:55,141,232, T>C on the plus strand (A>G on the coding strand, the complement: TNNT1 is on the minus strand). VCF-style: chr19-55141232-T-C. GRCh37 (hg19) VCF-style: chr19-55652600-T-C.
Other names: c.263A>G, p.Gln88Arg (NM_001126132.3); c.230A>G, p.Gln77Arg (NM_001126133.3, NM_001291774.2); short protein forms Q88R, Q77R.
Identifiers: ClinVar variation 1479863 (VCV001479863.5), dbSNP rs2147254988, ClinGen allele CA407435342.

ClinVar aggregate classification (germline): Uncertain significance (1 of 4 stars; one submission).

Conditions:
Nemaline myopathy 5 (NEM5A). Also called: NEMALINE MYOPATHY 5A, AUTOSOMAL RECESSIVE, SEVERE INFANTILE; Nemaline myopathy 5, Amish type; NEMALINE MYOPATHY, AMISH TYPE. Identifiers: Orphanet 98902, MedGen C1854380, MONDO:0011539, OMIM 605355.

Allele frequency attached by ClinVar (database versions not stated): gnomAD exomes below 0.00001.
gnomAD v4.1: 2 of 1,614,268 alleles (0.00012%); highest among the groups gnomAD compares: African/African-American, 0.0027%; no homozygotes.

Submission:

Labcorp Genetics (formerly Invitae), Labcorp
Classification: Uncertain significance for Nemaline myopathy 5. Last evaluated: 2021-08-26. Review status: criteria provided, single submitter. Criteria: Invitae Variant Classification Sherloc (09022015). Collection method: clinical testing. Allele origin: germline.
Comment: This sequence change replaces glutamine with arginine at codon 88 of the TNNT1 protein (p.Gln88Arg). The glutamine residue is highly conserved and there is a small physicochemical difference between glutamine and arginine. This variant is not present in population databases (ExAC no frequency). This variant has not been reported in the literature in individuals affected with TNNT1-related conditions. Algorithms developed to predict the effect of missense changes on protein structure and function are either unavailable or do not agree on the potential impact of this missense change (SIFT: "Deleterious"; PolyPhen-2: "Probably Damaging"; Align-GVGD: "Class C0"). In summary, the available evidence is currently insufficient to determine the role of this variant in disease. Therefore, it has been classified as a Variant of Uncertain Significance.